The following is an entry in ClinVar:

ClinVar aggregate classification (germline): Uncertain significance (1 of 4 stars; one submission).

Conditions:
Catecholaminergic polymorphic ventricular tachycardia 1. Also called: VENTRICULAR TACHYCARDIA, CATECHOLAMINERGIC POLYMORPHIC, 1, WITH OR WITHOUT ATRIAL DYSFUNCTION AND/OR DILATED CARDIOMYOPATHY; VENTRICULAR TACHYCARDIA, STRESS-INDUCED POLYMORPHIC 1; RYR2-Related Catecholaminergic Polymorphic Ventricular Tachycardia. Identifiers: Orphanet 3286, MedGen C1631597, MONDO:0011484, OMIM 604772.

Submission:

Labcorp Genetics (formerly Invitae), Labcorp
Classification: Uncertain significance for Catecholaminergic polymorphic ventricular tachycardia 1. Last evaluated: 2023-07-31. Review status: criteria provided, single submitter. Criteria: Invitae Variant Classification Sherloc (09022015). Collection method: clinical testing. Allele origin: germline.
Comment: In summary, the available evidence is currently insufficient to determine the role of this variant in disease. Therefore, it has been classified as a Variant of Uncertain Significance. This sequence change replaces threonine, which is neutral and polar, with alanine, which is neutral and non-polar, at codon 3027 of the RYR2 protein (p.Thr3027Ala). This variant is not present in population databases (gnomAD no frequency). This missense change has been observed in individual(s) with clinical features of catecholaminergic polymorphic ventricular tachycardia (Invitae). Advanced modeling of protein sequence and biophysical properties (such as structural, functional, and spatial information, amino acid conservation, physicochemical variation, residue mobility, and thermodynamic stability) performed at Invitae indicates that this missense variant is not expected to disrupt RYR2 protein function.

NM_001035.3(RYR2):c.9079A>G (p.Thr3027Ala)

Gene: RYR2 (ryanodine receptor 2; plus strand). Cytogenetic location: 1q43.
Variant type: single nucleotide variant.
Coding change: c.9079A>G on transcript NM_001035.3 (MANE Select); coding-DNA position 9079, A replaced by G.
Protein change: p.Thr3027Ala; replaces threonine 3027 with alanine.
Molecular consequence: missense variant.
Genome position (GRCh38, 1-based): chr1:237,698,976, A>G. VCF-style: chr1-237698976-A-G. GRCh37 (hg19) VCF-style: chr1-237862276-A-G.
Other names: short protein forms T3027A.
Identifiers: ClinVar variation 3005335 (VCV003005335.3), dbSNP rs2547355418, ClinGen allele CA345406498.
Genomic context (GRCh38, chr1:237,698,976, plus strand): 5'-ATTGAGAAATTCTCAGGGCAATTTATACAGCATTTTGTTTCCTCTTTAGGCAATGATGCA[A>G]CATCAATTGTCAACTGTCTTCATATTTTGGGTCAGACTTTGGATGCAAGGTAAATGGATA-3'
Protein context (NP_001026.2, residues 3017-3037): HRISLFGNDA[Thr3027Ala]SIVNCLHILG